The following is an entry in ClinVar:

ClinVar aggregate classification (germline): Pathogenic (1 of 4 stars; one submission).

Submission:

Labcorp Genetics (formerly Invitae), Labcorp
Classification: Pathogenic. Last evaluated: 2022-11-15. Review status: criteria provided, single submitter. Criteria: Invitae Variant Classification Sherloc (09022015). Collection method: clinical testing. Allele origin: germline.
Comment: ClinVar contains an entry for this variant (Variation ID: 534564). This sequence change affects an acceptor splice site in intron 5 of the MUT gene. It is expected to disrupt RNA splicing. Variants that disrupt the donor or acceptor splice site typically lead to a loss of protein function (PMID: 16199547), and loss-of-function variants in MUT are known to be pathogenic (PMID: 15781192). This variant is not present in population databases (gnomAD no frequency). Disruption of this splice site has been observed in individual(s) with methylmalonic aciduria (PMID: 27167370). Algorithms developed to predict the effect of sequence changes on RNA splicing suggest that this variant may disrupt the consensus splice site. For these reasons, this variant has been classified as Pathogenic.

Literature cited by the submitters: PubMed 16199547; PubMed 15781192; PubMed 27167370.

NM_000255.4(MMUT):c.1084-1G>C

Gene: MMUT (methylmalonyl-CoA mutase; minus strand). Cytogenetic location: 6p12.3.
Variant type: single nucleotide variant.
Coding change: c.1084-1G>C on transcript NM_000255.4 (MANE Select); the canonical splice acceptor site of the intron before coding-DNA position 1084, G replaced by C.
Molecular consequence: splice acceptor variant.
Genome position (GRCh38, 1-based): chr6:49,451,715, C>G on the plus strand (G>C on the coding strand, the complement: MMUT is on the minus strand). VCF-style: chr6-49451715-C-G. GRCh37 (hg19) VCF-style: chr6-49419428-C-G.
Identifiers: ClinVar variation 534564 (VCV000534564.9), dbSNP rs879253838, ClinGen allele CA364399219.